The following is an entry in ClinVar:

ClinVar aggregate classification (germline): Benign/Likely benign. Review status: criteria provided, multiple submitters, no conflicts (2 of 4 stars). 2 submissions from 2 submitters: Benign (1); Likely benign (1). Last evaluated 2024-05-23.

Conditions:
Hereditary cancer-predisposing syndrome. Also called: Hereditary Cancer Syndrome; Hereditary neoplastic syndrome; Neoplastic Syndromes, Hereditary; Tumor predisposition. Identifiers: Orphanet 140162, MedGen C0027672, MeSH D009386, MONDO:0015356.
Familial cancer of breast. Also called: BREAST CANCER, FAMILIAL; hereditary breast carcinoma; Hereditary breast cancer. Identifiers: Orphanet 227535, MedGen C0346153, MONDO:0016419, OMIM 114480. Disease mechanism: loss of function.

Submissions (2):

Myriad Genetics, Inc.
Classification: Benign for Familial cancer of breast. Last evaluated: 2024-05-23. Review status: criteria provided, single submitter. Criteria: Myriad Autosomal Dominant, Autosomal Recessive and X-Linked Classification Criteria (2023). Collection method: clinical testing. Allele origin: unknown.
Comment: This variant is considered benign. This variant is a silent/synonymous amino acid change and it is not expected to impact splicing.

Ambry Genetics
Classification: Likely benign for Hereditary cancer-predisposing syndrome. Last evaluated: 2019-07-29. Review status: criteria provided, single submitter. Criteria: Ambry Variant Classification Scheme 2023. Collection method: clinical testing. Allele origin: germline.

NM_000051.4(ATM):c.5553C>A (p.Leu1851=)

Gene: ATM (ATM serine/threonine kinase; plus strand). Cytogenetic location: 11q22.3.
Variant type: single nucleotide variant.
Coding change: c.5553C>A on transcript NM_000051.4 (MANE Select); coding-DNA position 5553, C replaced by A.
Protein change: p.Leu1851=; no amino-acid change (leucine 1851 retained).
Molecular consequence: synonymous variant.
Genome position (GRCh38, 1-based): chr11:108,304,731, C>A. VCF-style: chr11-108304731-C-A. GRCh37 (hg19) VCF-style: chr11-108175458-C-A.
Other names: c.5553C>A, p.Leu1851= (NM_001351834.2).
Identifiers: ClinVar variation 1748247 (VCV001748247.3), dbSNP rs786201126, ClinGen allele CA476675132.